The following is an entry in ClinVar:

ClinVar aggregate classification (germline): Pathogenic (1 of 4 stars; one submission).

Conditions:
Hereditary cancer-predisposing syndrome. Also called: Hereditary neoplastic syndrome; Neoplastic Syndromes, Hereditary; Tumor predisposition; Hereditary Cancer Syndrome. Identifiers: Orphanet 140162, MedGen C0027672, MeSH D009386, MONDO:0015356.

Submission:

Ambry Genetics
Classification: Pathogenic for Hereditary cancer-predisposing syndrome. Last evaluated: 2025-07-14. Review status: criteria provided, single submitter. Criteria: Ambry Variant Classification Scheme 2023. Collection method: clinical testing. Allele origin: germline.
Comment: The p.Q655* pathogenic mutation (also known as c.1963C>T), located in coding exon 14 of the PTCH1 gene, results from a C to T substitution at nucleotide position 1963. This changes the amino acid from a glutamine to a stop codon within coding exon 14. This variant is considered to be rare based on population cohorts in the Genome Aggregation Database (gnomAD). This alteration is expected to result in loss of function by premature protein truncation or nonsense-mediated mRNA decay. As such, this alteration is interpreted as a disease-causing mutation.

NM_000264.5(PTCH1):c.1963C>T (p.Gln655Ter)

Genes: PTCH1 (patched 1; minus strand), LOC100507346 (uncharacterized LOC100507346; plus strand). Cytogenetic location: 9q22.32.
Variant type: single nucleotide variant.
Coding change: c.1963C>T on transcript NM_000264.5 (MANE Select); coding-DNA position 1963, C replaced by T.
Protein change: p.Gln655Ter; replaces glutamine 655 with a stop codon.
Molecular consequence: nonsense. On other transcripts: non-coding transcript variant (2).
Genome position (GRCh38, 1-based): chr9:95,469,038, G>A on the plus strand (C>T on the coding strand, the complement: PTCH1 is on the minus strand). VCF-style: chr9-95469038-G-A. GRCh37 (hg19) VCF-style: chr9-98231320-G-A.
Other names: c.1765C>T, p.Gln589Ter (NM_001083602.3); c.1960C>T, p.Gln654Ter (NM_001083603.3); c.1510C>T, p.Gln504Ter (NM_001083604.3, NM_001083605.3, NM_001083606.3 and 1 more transcripts); c.1807C>T, p.Gln603Ter (NM_001354918.2); short protein forms Q655*, Q504*, Q589*, Q603*, Q654*.
Identifiers: ClinVar variation 4146854 (VCV004146854.1).